The following is an entry in ClinVar:

ClinVar aggregate classification (germline): Benign (1 of 4 stars; one submission).

Conditions:
Leigh syndrome (NULS). Also called: Leigh's necrotizing encephalopathy; Leigh's disease; Leigh's syndrome; LEIGH SYNDROME, NUCLEAR; Leigh Syndrome (mtDNA deletion); Leigh Disease. Identifiers: Orphanet 506, MedGen C2931891, MONDO:0009723, OMIM 256000.

Submission:

Wong Mito Lab, Molecular and Human Genetics, Baylor College of Medicine
Classification: Benign for Leigh syndrome. Last evaluated: 2019-10-17. Review status: criteria provided, single submitter. Criteria: Modified ACMG Guidelines (Unpublished). Collection method: clinical testing. Allele origin: germline.
Comment: The NC_012920.1:m.15119G>A (YP_003024038.1:p.Ala125Thr) variant in MTCYB gene is interpretated to be a Benign variant based on the modified ACMG guidelines (unpublished). This variant meets the following evidence codes: BS1, BS2, BP4

NC_012920.1(MT-CYB):m.15119G>A

Gene: MT-CYB (mitochondrially encoded cytochrome b; plus strand).
Variant type: single nucleotide variant.
Genome position: chrM-15119-G-A.
Identifiers: ClinVar variation 693829 (VCV000693829.1), dbSNP rs201194402, ClinGen allele CA337100284.